The following is an entry in ClinVar:

ClinVar aggregate classification (germline): Uncertain significance (1 of 4 stars; one submission).

gnomAD v4.1: 1 of 1,406,920 alleles (0.000071%); highest among the groups gnomAD compares: African/African-American, 0.0015%; no homozygotes.

Submission:

Labcorp Genetics (formerly Invitae), Labcorp
Classification: Uncertain significance. Last evaluated: 2025-12-10. Review status: criteria provided, single submitter. Criteria: Invitae Variant Classification Sherloc (09022015). Collection method: clinical testing. Allele origin: germline.
Comment: This sequence change affects an acceptor splice site in intron 10 of the DVL1 gene. It is expected to disrupt RNA splicing. Variants that disrupt the donor or acceptor splice site typically lead to a loss of protein function (PMID: 16199547), however the current clinical and genetic evidence is not sufficient to establish whether loss-of-function variants in DVL1 cause disease. This variant is not present in population databases (gnomAD no frequency). This variant has not been reported in the literature in individuals affected with DVL1-related conditions. Algorithms developed to predict the effect of sequence changes on RNA splicing suggest that this variant may disrupt the consensus splice site. In summary, the available evidence is currently insufficient to determine the role of this variant in disease. Therefore, it has been classified as a Variant of Uncertain Significance.

Literature cited by the submitters: PubMed 16199547.

NM_001330311.2(DVL1):c.1055-1G>A

Gene: DVL1 (dishevelled segment polarity protein 1; minus strand). Cytogenetic location: 1p36.33.
Variant type: single nucleotide variant.
Coding change: c.1055-1G>A on transcript NM_001330311.2 (MANE Select); the canonical splice acceptor site of the intron before coding-DNA position 1055, G replaced by A.
Molecular consequence: splice acceptor variant.
Genome position (GRCh38, 1-based): chr1:1,339,440, C>T on the plus strand (G>A on the coding strand, the complement: DVL1 is on the minus strand). VCF-style: chr1-1339440-C-T. GRCh37 (hg19) VCF-style: chr1-1274820-C-T.
Other names: c.1055-1G>A (NM_004421.3).
Identifiers: ClinVar variation 4807136 (VCV004807136.1).